The following is an entry in ClinVar:

NM_004360.5(CDH1):c.2242A>G (p.Thr748Ala)

Gene: CDH1 (cadherin 1; plus strand). Cytogenetic location: 16q22.1.
Variant type: single nucleotide variant.
Coding change: c.2242A>G on transcript NM_004360.5 (MANE Select); coding-DNA position 2242, A replaced by G.
Protein change: p.Thr748Ala; replaces threonine 748 with alanine.
Molecular consequence: missense variant.
Genome position (GRCh38, 1-based): chr16:68,828,251, A>G. VCF-style: chr16-68828251-A-G. GRCh37 (hg19) VCF-style: chr16-68862154-A-G.
Other names: c.2059A>G, p.Thr687Ala (NM_001317184.2); c.694A>G, p.Thr232Ala (NM_001317185.2); c.277A>G, p.Thr93Ala (NM_001317186.2); short protein forms T748A, T232A, T687A, T93A.
Identifiers: ClinVar variation 3998756 (VCV003998756.1).

ClinVar aggregate classification (germline): Uncertain significance (1 of 4 stars; one submission).

Conditions:
Hereditary cancer-predisposing syndrome. Also called: Tumor predisposition; Hereditary neoplastic syndrome; Neoplastic Syndromes, Hereditary; Hereditary Cancer Syndrome. Identifiers: Orphanet 140162, MedGen C0027672, MeSH D009386, MONDO:0015356.

Submission:

Ambry Genetics
Classification: Uncertain significance for Hereditary cancer-predisposing syndrome. Last evaluated: 2025-04-03. Review status: criteria provided, single submitter. Criteria: Ambry Variant Classification Scheme 2023. Collection method: clinical testing. Allele origin: germline.
Comment: The p.T748A variant (also known as c.2242A>G), located in coding exon 14 of the CDH1 gene, results from an A to G substitution at nucleotide position 2242. The threonine at codon 748 is replaced by alanine, an amino acid with similar properties. This amino acid position is not well conserved in available vertebrate species. In addition, this alteration is predicted to be tolerated by in silico analysis. Based on the available evidence, the clinical significance of this variant remains unclear.